The following is an entry in ClinVar:

NM_005006.7(NDUFS1):c.2117C>T (p.Thr706Ile)

Gene: NDUFS1 (NADH:ubiquinone oxidoreductase core subunit S1; minus strand). Cytogenetic location: 2q33.3.
Variant type: single nucleotide variant.
Coding change: c.2117C>T on transcript NM_005006.7 (MANE Select); coding-DNA position 2117, C replaced by T.
Protein change: p.Thr706Ile; replaces threonine 706 with isoleucine.
Molecular consequence: missense variant.
Genome position (GRCh38, 1-based): chr2:206,124,252, G>A on the plus strand (C>T on the coding strand, the complement: NDUFS1 is on the minus strand). VCF-style: chr2-206124252-G-A. GRCh37 (hg19) VCF-style: chr2-206988976-G-A.
Other names: c.2009C>T, p.Thr670Ile (NM_001199981.2); c.1784C>T, p.Thr595Ile (NM_001199982.2); c.1946C>T, p.Thr649Ile (NM_001199983.2); c.2159C>T, p.Thr720Ile (NM_001199984.2); short protein forms T595I, T649I, T670I, T706I, T720I.
Identifiers: ClinVar variation 3362006 (VCV003362006.2).

ClinVar aggregate classification (germline): Uncertain significance (1 of 4 stars; one submission).

gnomAD v4.1: 19 of 1,612,692 alleles (0.0012%); highest among the groups gnomAD compares: African/African-American, 0.023%; no homozygotes.

Submission:

GeneDx
Classification: Uncertain significance. Last evaluated: 2024-12-18. Review status: criteria provided, single submitter. Criteria: GeneDx Variant Classification Process June 2021. Collection method: clinical testing. Allele origin: germline.
Comment: In silico analysis supports that this missense variant has a deleterious effect on protein structure/function; Has not been previously published as pathogenic or benign to our knowledge